The following is an entry in ClinVar:

ClinVar aggregate classification (germline): Likely benign (1 of 4 stars; one submission).

Conditions:
NPHP3-related disorder. Also called: NPHP3-related condition; NPHP3-related disorders. Identifiers: MedGen CN379163.

Submission:

PreventionGenetics, part of Exact Sciences
Classification: Likely benign for NPHP3-related condition. Last evaluated: 2025-11-18. Review status: criteria provided, single submitter. Criteria: ACMG Guidelines, 2015. Collection method: clinical testing. Allele origin: germline.
Comment: This variant is classified as likely benign based on ACMG/AMP sequence variant interpretation guidelines (Richards et al. 2015 PMID: 25741868, with internal and published modifications).

NM_153240.5(NPHP3):c.442T>C (p.Leu148=)

Genes: NPHP3 (nephrocystin 3; minus strand), NPHP3-ACAD11 (NPHP3-ACAD11 readthrough (NMD candidate); minus strand). Cytogenetic location: 3q22.1.
Variant type: single nucleotide variant.
Coding change: c.442T>C on transcript NM_153240.5 (MANE Select); coding-DNA position 442, T replaced by C.
Protein change: p.Leu148=; no amino-acid change (leucine 148 retained).
Molecular consequence: synonymous variant. On other transcripts: non-coding transcript variant (1).
Genome position (GRCh38, 1-based): chr3:132,719,782, A>G on the plus strand (T>C on the coding strand, the complement: NPHP3 is on the minus strand). VCF-style: chr3-132719782-A-G. GRCh37 (hg19) VCF-style: chr3-132438626-A-G.
Identifiers: ClinVar variation 4993164 (VCV004993164.1).